The following is an entry in ClinVar:

NM_001098.3(ACO2):c.181C>T (p.Arg61Trp)

Gene: ACO2 (aconitase 2; plus strand). Cytogenetic location: 22q13.2.
Variant type: single nucleotide variant.
Coding change: c.181C>T on transcript NM_001098.3 (MANE Select); coding-DNA position 181, C replaced by T.
Protein change: p.Arg61Trp; replaces arginine 61 with tryptophan.
Molecular consequence: missense variant.
Genome position (GRCh38, 1-based): chr22:41,507,798, C>T. VCF-style: chr22-41507798-C-T. GRCh37 (hg19) VCF-style: chr22-41903802-C-T.
Other names: short protein forms R61W.
Identifiers: ClinVar variation 1420765 (VCV001420765.6), dbSNP rs773229850, ClinGen allele CA10257307.

ClinVar aggregate classification (germline): Uncertain significance (1 of 4 stars; one submission).

Allele frequency attached by ClinVar (database versions not stated): TOPMed 0.00001; gnomAD 0.00001.
gnomAD v4.1: 13 of 1,613,360 alleles (0.00081%); highest among the groups gnomAD compares: South Asian, 0.0044%; no homozygotes.

Submission:

Labcorp Genetics (formerly Invitae), Labcorp
Classification: Uncertain significance. Last evaluated: 2025-07-02. Review status: criteria provided, single submitter. Criteria: Invitae Variant Classification Sherloc (09022015). Collection method: clinical testing. Allele origin: germline.
Comment: This sequence change replaces arginine, which is basic and polar, with tryptophan, which is neutral and slightly polar, at codon 61 of the ACO2 protein (p.Arg61Trp). This variant is present in population databases (rs773229850, gnomAD 0.003%). This variant has not been reported in the literature in individuals affected with ACO2-related conditions. ClinVar contains an entry for this variant (Variation ID: 1420765). Invitae Evidence Modeling of protein sequence and biophysical properties (such as structural, functional, and spatial information, amino acid conservation, physicochemical variation, residue mobility, and thermodynamic stability) indicates that this missense variant is expected to disrupt ACO2 protein function with a positive predictive value of 95%. In summary, the available evidence is currently insufficient to determine the role of this variant in disease. Therefore, it has been classified as a Variant of Uncertain Significance.